The following is an entry in ClinVar:

NM_000322.5(PRPH2):c.582-58A>C

Gene: PRPH2 (peripherin 2; minus strand). Cytogenetic location: 6p21.1.
Variant type: single nucleotide variant.
Coding change: c.582-58A>C on transcript NM_000322.5 (MANE Select); 58 bases into the intron before coding-DNA position 582, A replaced by C.
Molecular consequence: intron variant.
Genome position (GRCh38, 1-based): chr6:42,704,669, T>G on the plus strand (A>C on the coding strand, the complement: PRPH2 is on the minus strand). VCF-style: chr6-42704669-T-G. GRCh37 (hg19) VCF-style: chr6-42672407-T-G.
Identifiers: ClinVar variation 1175286 (VCV001175286.1), dbSNP rs3818087, ClinGen allele CA1624170797.

ClinVar aggregate classification (germline): Likely benign (0 of 4 stars; one submission).

Submission:

Leiden Open Variation Database
Classification: Likely benign. Last evaluated: 2021-03-21. Review status: no assertion criteria provided. Collection method: curation. Allele origin: germline. Affected: yes.
Comment: Curator: Global Variome, with Curator vacancy. Submitter to LOVD: Julia Lopez.

Literature cited by the submitters: PubMed 16885924.